The following is an entry in ClinVar:

ClinVar aggregate classification (germline): Likely pathogenic (1 of 4 stars; one submission).

Submission:

GeneDx
Classification: Likely pathogenic. Last evaluated: 2019-09-13. Review status: criteria provided, single submitter. Criteria: GeneDx Variant Classification Process June 2021. Collection method: clinical testing. Allele origin: germline. Affected: yes.
Comment: Frameshift variant predicted to result in protein truncation or nonsense mediated decay in a gene for which loss-of-function is a known mechanism of disease; Not observed in large population cohorts (Lek et al., 2016); Has not been previously published as pathogenic or benign to our knowledge

NM_000440.3(PDE6A):c.1712_1715delinsACGTGGGGCAGA (p.Met571fs)

Gene: PDE6A (phosphodiesterase 6A; minus strand). Cytogenetic location: 5q32.
Variant type: Indel.
Coding change: c.1712_1715delinsACGTGGGGCAGA on transcript NM_000440.3 (MANE Select); coding-DNA positions 1712 to 1715, TGTT replaced by ACGTGGGGCAGA.
Protein change: p.Met571fs; shifts the reading frame from methionine 571.
Molecular consequence: frameshift variant.
Genome position (GRCh38, 1-based): chr5:149,895,196-149,895,199, AACA replaced by TCTGCCCCACGT on the plus strand (TGTT replaced by ACGTGGGGCAGA on the coding strand, the reverse complement: PDE6A is on the minus strand). VCF-style: chr5-149895196-AACA-TCTGCCCCACGT. GRCh37 (hg19) VCF-style: chr5-149274759-AACA-TCTGCCCCACGT.
Other names: short protein forms M571fs.
Identifiers: ClinVar variation 1190240 (VCV001190240.2), dbSNP rs2113582262, ClinGen allele CA2499217726.